The following is an entry in ClinVar:

ClinVar aggregate classification (germline): Likely pathogenic (1 of 4 stars; one submission).

Conditions:
Neurofibromatosis, type 1 (NF1). Also called: NEUROFIBROMATOSIS, TYPE I, SOMATIC; Peripheral type neurofibromatosis; Neurofibromatosis, type I; VON RECKLINGHAUSEN DISEASE. Identifiers: Orphanet 636, MedGen C0027831, MONDO:0018975, OMIM 162200. Disease mechanism: loss of function.

Submission:

The Shared Resource Centre "Genome", Research Centre for Medical Genetics
Classification: Likely pathogenic for Neurofibromatosis, type 1. Last evaluated: 2026-06-25. Review status: criteria provided, single submitter. Criteria: ACMG Guidelines, 2015. Collection method: clinical testing. Allele origin: germline. Inheritance: Autosomal dominant inheritance. Affected: yes. Observed: 1 variant allele, 1 heterozygote.
Comment: Classified as Likely pathogenic according to ACMG/AMP 2015 criteria (Richards et al., 2015): PM2, PM5, PP1, PP2, PP3. Variant identified in a Russian cohort referred for suspected Noonan syndrome or Noonan-like phenotypes; not previously reported in HGMD Professional or ClinVar at the time of analysis.

NM_001042492.3(NF1):c.6054T>A (p.Ser2018Arg)

Gene: NF1 (neurofibromin 1; plus strand). Cytogenetic location: 17q11.2.
Variant type: single nucleotide variant.
Coding change: c.6054T>A on transcript NM_001042492.3 (MANE Select); coding-DNA position 6054, T replaced by A.
Protein change: p.Ser2018Arg; replaces serine 2018 with arginine.
Molecular consequence: missense variant.
Genome position (GRCh38, 1-based): chr17:31,336,380, T>A. VCF-style: chr17-31336380-T-A. GRCh37 (hg19) VCF-style: chr17-29663398-T-A.
Other names: c.5991T>A, p.Ser1997Arg (NM_000267.4); short protein forms S1997R, S2018R.
Identifiers: ClinVar variation 4857316 (VCV004857316.1).